The following is an entry in ClinVar:

NM_002618.4(PEX13):c.791G>C (p.Ser264Thr)

Gene: PEX13 (peroxisomal biogenesis factor 13; plus strand). Cytogenetic location: 2p15.
Variant type: single nucleotide variant.
Coding change: c.791G>C on transcript NM_002618.4 (MANE Select); coding-DNA position 791, G replaced by C.
Protein change: p.Ser264Thr; replaces serine 264 with threonine.
Molecular consequence: missense variant.
Genome position (GRCh38, 1-based): chr2:61,045,729, G>C. VCF-style: chr2-61045729-G-C. GRCh37 (hg19) VCF-style: chr2-61272864-G-C.
Other names: short protein forms S264T.
Identifiers: ClinVar variation 196351 (VCV000196351.17), dbSNP rs145568490, ClinGen allele CA243273.

ClinVar aggregate classification (germline): Conflicting classifications of pathogenicity. Review status: criteria provided, conflicting classifications (1 of 4 stars). 6 submissions from 6 submitters: Uncertain significance (5); Benign (1). Last evaluated 2026-04-17.

Conditions:
PEX13-related disorder. Also called: PEX13-related condition; PEX13-related disorders.
Peroxisome biogenesis disorder 11A (Zellweger). Also called: Peroxisome biogenesis disorder 11A. Identifiers: Orphanet 912, MedGen C3554000, MONDO:0013949, OMIM 614883.

Allele frequency attached by ClinVar (database versions not stated): 1000 Genomes Project 0.00020; ESP Exome Variant Server 0.00031; gnomAD 0.00043; TOPMed 0.00049; gnomAD exomes 0.00005 and 0.00013; 1000 Genomes Project 30x 0.00016; ExAC 0.00017.
gnomAD v4.1: 152 of 1,612,844 alleles (0.0094%); highest among the groups gnomAD compares: Middle Eastern, 0.13%; no homozygotes.

Submissions (6):

PreventionGenetics, part of Exact Sciences
Classification: Uncertain significance for PEX13-related condition. Last evaluated: 2026-04-17. Review status: criteria provided, single submitter. Criteria: ACMG Guidelines, 2015. Collection method: clinical testing. Allele origin: germline.
Comment: The PEX13 c.791G>C variant is predicted to result in the amino acid substitution p.Ser264Thr. To our knowledge, this variant has not been reported in the literature in PEX13-related disease. This variant is reported in 0.14% of alleles in individuals of African descent in gnomAD, which may be too frequent to be a primary cause of disease. Although we suspect that this variant may be benign, at this time, the clinical significance of this variant is uncertain due to the absence of conclusive functional and genetic evidence.

Blueprint Genetics
Classification: Benign. Last evaluated: 2024-04-03. Review status: criteria provided, single submitter. Criteria: ACMG Guidelines, 2015. Collection method: clinical testing. Allele origin: germline.

Labcorp Genetics (formerly Invitae), Labcorp
Classification: Uncertain significance for Peroxisome biogenesis disorder 11A (Zellweger). Last evaluated: 2024-01-19. Review status: criteria provided, single submitter. Criteria: Invitae Variant Classification Sherloc (09022015). Collection method: clinical testing. Allele origin: germline.
Comment: This sequence change replaces serine, which is neutral and polar, with threonine, which is neutral and polar, at codon 264 of the PEX13 protein (p.Ser264Thr). This variant is present in population databases (rs145568490, gnomAD 0.1%). This variant has not been reported in the literature in individuals affected with PEX13-related conditions. ClinVar contains an entry for this variant (Variation ID: 196351). Advanced modeling of protein sequence and biophysical properties (such as structural, functional, and spatial information, amino acid conservation, physicochemical variation, residue mobility, and thermodynamic stability) performed at Invitae indicates that this missense variant is not expected to disrupt PEX13 protein function with a negative predictive value of 80%. In summary, the available evidence is currently insufficient to determine the role of this variant in disease. Therefore, it has been classified as a Variant of Uncertain Significance.

Illumina Laboratory Services, Illumina
Classification: Uncertain significance for Peroxisome biogenesis disorder 11A (Zellweger). Last evaluated: 2018-01-12. Review status: criteria provided, single submitter. Criteria: ICSL Variant Classification Criteria 13 December 2019. Collection method: clinical testing. Allele origin: germline.

Eurofins Ntd Llc (ga)
Classification: Uncertain significance. Last evaluated: 2017-09-01. Review status: criteria provided, single submitter. Criteria: EGL Classification Definitions 2015. Collection method: clinical testing. Allele origin: germline. Observed: 6 variant alleles, 6 heterozygotes.

Breakthrough Genomics
Classification: Uncertain significance. Review status: criteria provided, single submitter. Criteria: ACMG Guidelines, 2015. Collection method: not provided. Allele origin: germline. Inheritance: Autosomal recessive inheritance. Affected: yes.